The following is an entry in ClinVar:

ClinVar aggregate classification (germline): Uncertain significance. Review status: reviewed by expert panel (3 of 4 stars). 3 submissions from 3 submitters: Uncertain significance (1). 2 of the submissions do not count toward it. Last evaluated 2026-06-11.

Conditions:
Ornithine carbamoyltransferase deficiency (OTCD). Also called: OTC DEFICIENCY; Ornithine Carbamoyltransferase Deficiency Disease; ORNITHINE TRANSCARBAMYLASE DEFICIENCY; ORNITHINE TRANSCARBAMYLASE DEFICIENCY, HYPERAMMONEMIA DUE TO. Identifiers: Orphanet 664, MedGen C0268542, MONDO:0010703, OMIM 311250.

Submissions (3):

Clingen Urea Cycle Disorders Variant Curation Expert Panel, ClinGen
Classification: Uncertain significance for Ornithine carbamoyltransferase deficiency. Last evaluated: 2026-06-11. Review status: reviewed by expert panel. Criteria: ClinGen UreaCycles ACMG Specifications OTC V1.0. Collection method: curation. Allele origin: germline. Inheritance: X-linked inheritance.
Comment: The c.125_126delinsAC variant in OTC is a missense variant predicted to cause substitution of leucine by histidine at amino acid 42 (p.Leu42His). This variant has not been reported in the literature in individuals affected with ornithine carbamoyltransferase deficiency. This variant is absent from gnomAD v4.1.0 (PM2_Supporting). The computational predictor REVEL gives a SCORE of 0.905, which is between 0.773 and 0.932, evidence that correlates with Moderate impact on OTC/NAGS/CPS1 function (PP3_Moderate). Growth assay in yeast showed <50% of wild-type OTC growth activity, indicating that this variant impacts protein function (PMID: 37146589, PS3_Moderate). In summary, this variant meets the criteria to be classified as Uncertain significance for X-linked ornithine carbamoyltransferase deficiency based on the ACMG/AMP criteria applied, as specified by the ClinGen Urea Cycle Disorders VCEP: PM2_supporting, PP3_moderate, PS3_moderate (OTC specifications version 1.0.0).

Revvity Omics, Revvity
Classification: Uncertain significance for Ornithine carbamoyltransferase deficiency. Last evaluated: 2023-02-02. Review status: criteria provided, single submitter. Criteria: ACMG Guidelines, 2015. Collection method: clinical testing. Allele origin: germline. Not counted in ClinVar's aggregate classification.

Labcorp Genetics (formerly Invitae), Labcorp
Classification: Uncertain significance for Ornithine carbamoyltransferase deficiency. Last evaluated: 2022-10-04. Review status: criteria provided, single submitter. Criteria: Invitae Variant Classification Sherloc (09022015). Collection method: clinical testing. Allele origin: germline. Not counted in ClinVar's aggregate classification.
Comment: This sequence change replaces leucine, which is neutral and non-polar, with histidine, which is basic and polar, at codon 42 of the OTC protein (p.Leu42His). Information on the frequency of this variant in the gnomAD database is not available, as this variant may be reported differently in the database. This variant has not been reported in the literature in individuals affected with OTC-related conditions. Algorithms developed to predict the effect of missense changes on protein structure and function are either unavailable or do not agree on the potential impact of this missense change (SIFT: "Not Available"; PolyPhen-2: "Possibly Damaging"; Align-GVGD: "Not Available"). In summary, the available evidence is currently insufficient to determine the role of this variant in disease. Therefore, it has been classified as a Variant of Uncertain Significance.

Literature cited by the submitters: PubMed 37146589 (cited by Clingen Urea Cycle Disorders Variant Curation Expert Panel, ClinGen).

NM_000531.6(OTC):c.125_126delinsAC (p.Leu42His)

Gene: OTC (ornithine transcarbamylase; plus strand). Cytogenetic location: Xp11.4.
Variant type: Indel.
Coding change: c.125_126delinsAC on transcript NM_000531.6 (MANE Select); coding-DNA positions 125 to 126, TT replaced by AC.
Protein change: p.Leu42His; replaces leucine 42 with histidine.
Molecular consequence: missense variant.
Genome position (GRCh38, 1-based): chrX:38,367,338-38,367,339, TT replaced by AC. VCF-style: chrX-38367338-TT-AC. GRCh37 (hg19) VCF-style: chrX-38226591-TT-AC.
Other names: NM_000531.6(OTC):c.125_126delinsAC; p.Leu42His; c.125_126delTTinsAC, p.Leu42His (NM_001407092.1); short protein forms L42H.
Identifiers: ClinVar variation 1720979 (VCV001720979.9), dbSNP rs2519950616, ClinGen allele CA2580100825.